The following is an entry in ClinVar:

ClinVar aggregate classification (germline): Likely benign. Review status: criteria provided, multiple submitters, no conflicts (2 of 4 stars). 2 submissions from 2 submitters: Likely benign (2). Last evaluated 2026-05-01.

gnomAD v4.1: 38 of 1,611,408 alleles (0.0024%); highest among the groups gnomAD compares: African/African-American, 0.019%; no homozygotes.

Submissions (2):

CeGaT Center for Human Genetics Tuebingen
Classification: Likely benign. Last evaluated: 2026-05-01. Review status: criteria provided, single submitter. Criteria: CeGaT Center For Human Genetics Tuebingen Variant Classification Criteria Version 2. Collection method: clinical testing. Allele origin: germline. Affected: yes. Observed: 1 variant allele.
Comment: GPAA1: BP4, BP7

Labcorp Genetics (formerly Invitae), Labcorp
Classification: Likely benign. Last evaluated: 2025-12-21. Review status: criteria provided, single submitter. Criteria: Invitae Variant Classification Sherloc (09022015). Collection method: clinical testing. Allele origin: germline.

NM_003801.4(GPAA1):c.822C>T (p.Pro274=)

Gene: GPAA1 (glycosylphosphatidylinositol anchor attachment 1; plus strand). Cytogenetic location: 8q24.3.
Variant type: single nucleotide variant.
Coding change: c.822C>T on transcript NM_003801.4 (MANE Select); coding-DNA position 822, C replaced by T.
Protein change: p.Pro274=; no amino-acid change (proline 274 retained).
Molecular consequence: synonymous variant.
Genome position (GRCh38, 1-based): chr8:144,084,421, C>T. VCF-style: chr8-144084421-C-T. GRCh37 (hg19) VCF-style: chr8-145139324-C-T.
Identifiers: ClinVar variation 1671377 (VCV001671377.10), dbSNP rs368735326, ClinGen allele CA4932945.
Genomic context (GRCh38, chr8:144,084,421, plus strand): 5'-GGGCACAGGGTCTGTGGGAGGGGCTGTCTCATCCTGTCCTGCACCTCTAAAGCTGCAGCC[C>T]GAGGACTGGACATCATTGGATGGACCGCTGCAGGGCCTGCAGACACTGCTGCTCATGGTT-3'
Protein context (NP_003792.1, residues 264-284): LLCTLQGKLQ[Pro274=]EDWTSLDGPL